The following is an entry in ClinVar:

ClinVar aggregate classification (germline): Uncertain significance (1 of 4 stars; one submission).

Conditions:
Combined immunodeficiency due to LRBA deficiency. Also called: Common variable immunodeficiency 8, with autoimmunity. Identifiers: Orphanet 445018, MedGen C3553512, MONDO:0013863, OMIM 614700.

Submission:

Labcorp Genetics (formerly Invitae), Labcorp
Classification: Uncertain significance for Combined immunodeficiency due to LRBA deficiency. Last evaluated: 2022-03-13. Review status: criteria provided, single submitter. Criteria: Invitae Variant Classification Sherloc (09022015). Collection method: clinical testing. Allele origin: germline.
Comment: In summary, the available evidence is currently insufficient to determine the role of this variant in disease. Therefore, it has been classified as a Variant of Uncertain Significance. Algorithms developed to predict the effect of missense changes on protein structure and function are either unavailable or do not agree on the potential impact of this missense change (SIFT: "Tolerated"; PolyPhen-2: "Probably Damaging"; Align-GVGD: "Class C0"). This variant has not been reported in the literature in individuals affected with LRBA-related conditions. This variant is not present in population databases (gnomAD no frequency). This sequence change replaces asparagine, which is neutral and polar, with tyrosine, which is neutral and polar, at codon 422 of the LRBA protein (p.Asn422Tyr).

NM_001364905.1(LRBA):c.1264A>T (p.Asn422Tyr)

Gene: LRBA (LPS responsive beige-like anchor protein; minus strand). Cytogenetic location: 4q31.3.
Variant type: single nucleotide variant.
Coding change: c.1264A>T on transcript NM_001364905.1 (MANE Select); coding-DNA position 1264, A replaced by T.
Protein change: p.Asn422Tyr; replaces asparagine 422 with tyrosine.
Molecular consequence: missense variant.
Genome position (GRCh38, 1-based): chr4:150,908,755, T>A on the plus strand (A>T on the coding strand, the complement: LRBA is on the minus strand). VCF-style: chr4-150908755-T-A. GRCh37 (hg19) VCF-style: chr4-151829907-T-A.
Other names: c.1264A>T, p.Asn422Tyr (NM_001199282.3, NM_001367550.1, NM_006726.5); short protein forms N422Y.
Identifiers: ClinVar variation 2111468 (VCV002111468.4), dbSNP rs1412174265, ClinGen allele CA358433663.
Genomic context (GRCh38, chr4:150,908,755, plus strand): 5'-TTGAAGGGTTGTCCTTAGGAGATGATTCAAGACAAAGCTGGGCATCTGTAGCCCGTGGAT[T>A]GTACGTGAATGCAATGGCACTAGAGAGTTTCCCATCGTACAATAAAAGTTTGTGATGCTC-3'
Protein context (NP_001351834.1, residues 412-432): KLSSAIAFTY[Asn422Tyr]PRATDAQLCL